The following is an entry in ClinVar:

ClinVar aggregate classification (germline): Uncertain significance (1 of 4 stars; one submission).

Submission:

Labcorp Genetics (formerly Invitae), Labcorp
Classification: Uncertain significance. Last evaluated: 2023-12-11. Review status: criteria provided, single submitter. Criteria: Invitae Variant Classification Sherloc (09022015). Collection method: clinical testing. Allele origin: germline.
Comment: This sequence change replaces tyrosine, which is neutral and polar, with histidine, which is basic and polar, at codon 502 of the FARSB protein (p.Tyr502His). This variant is not present in population databases (gnomAD no frequency). This variant has not been reported in the literature in individuals affected with FARSB-related conditions. ClinVar contains an entry for this variant (Variation ID: 1716732). Advanced modeling of protein sequence and biophysical properties (such as structural, functional, and spatial information, amino acid conservation, physicochemical variation, residue mobility, and thermodynamic stability) performed at Invitae indicates that this missense variant is expected to disrupt FARSB protein function with a positive predictive value of 80%. In summary, the available evidence is currently insufficient to determine the role of this variant in disease. Therefore, it has been classified as a Variant of Uncertain Significance.

NM_005687.5(FARSB):c.1504T>C (p.Tyr502His)

Gene: FARSB (phenylalanyl-tRNA synthetase subunit beta; minus strand). Cytogenetic location: 2q36.1.
Variant type: single nucleotide variant.
Coding change: c.1504T>C on transcript NM_005687.5 (MANE Select); coding-DNA position 1504, T replaced by C.
Protein change: p.Tyr502His; replaces tyrosine 502 with histidine.
Molecular consequence: missense variant. On other transcripts: non-coding transcript variant (1).
Genome position (GRCh38, 1-based): chr2:222,600,042, A>G on the plus strand (T>C on the coding strand, the complement: FARSB is on the minus strand). VCF-style: chr2-222600042-A-G. GRCh37 (hg19) VCF-style: chr2-223464761-A-G.
Other names: short protein forms Y502H.
Identifiers: ClinVar variation 1716732 (VCV001716732.5), dbSNP rs2469384220, ClinGen allele CA350812074.